The following is an entry in ClinVar:

NM_001267550.2(TTN):c.97282G>A (p.Gly32428Ser)

Genes: TTN (titin; minus strand), TTN-AS1 (TTN antisense RNA 1; plus strand). Cytogenetic location: 2q31.2.
Variant type: single nucleotide variant.
Coding change: c.97282G>A on transcript NM_001267550.2 (MANE Select); coding-DNA position 97282, G replaced by A.
Protein change: p.Gly32428Ser; replaces glycine 32428 with serine.
Molecular consequence: missense variant.
Genome position (GRCh38, 1-based): chr2:178,542,474, C>T on the plus strand (G>A on the coding strand, the complement: TTN is on the minus strand). VCF-style: chr2-178542474-C-T. GRCh37 (hg19) VCF-style: chr2-179407201-C-T.
Other names: c.92359G>A, p.Gly30787Ser (NM_001256850.1); c.70087G>A, p.Gly23363Ser (NM_003319.4); c.89578G>A, p.Gly29860Ser (NM_133378.4); c.70462G>A, p.Gly23488Ser (NM_133432.3); c.70663G>A, p.Gly23555Ser (NM_133437.4); c.97282G>A (NM_001267550.1); short protein forms G23488S, G23555S, G23363S, G32428S, G30787S, G29860S.
Identifiers: ClinVar variation 2578199 (VCV002578199.2), dbSNP rs757420687, ClinGen allele CA1986583.

ClinVar aggregate classification (germline): Uncertain significance. Review status: criteria provided, multiple submitters, no conflicts (2 of 4 stars). 2 submissions from 2 submitters: Uncertain significance (2). Last evaluated 2026-03-26.

Conditions:
TTN-related disorder. Also called: TTN-related disorders; TTN-related condition; TTN-related disease.

Allele frequency attached by ClinVar (database versions not stated): ExAC 0.00001; gnomAD exomes 0.00001; TOPMed 0.00002; gnomAD 0.00004.
gnomAD v4.1: 18 of 1,613,378 alleles (0.0011%); highest among the groups gnomAD compares: African/African-American, 0.0067%; no homozygotes.

Submissions (2):

PreventionGenetics, part of Exact Sciences
Classification: Uncertain significance for TTN-related condition. Last evaluated: 2026-03-26. Review status: criteria provided, single submitter. Criteria: ACMG Guidelines, 2015. Collection method: clinical testing. Allele origin: germline.
Comment: The TTN c.97282G>A variant is predicted to result in the amino acid substitution p.Gly32428Ser. This variant has been reported in an individual with dilated cardiomyopathy (Table S3, Mazzarotto et al. 2020. PubMed ID: 31983221). This variant is reported in 0.0083% of alleles in individuals of African descent in gnomAD and is interpreted as uncertain in ClinVar (Variation ID: 2578199). At this time, the clinical significance of this variant is uncertain due to the absence of conclusive functional and genetic evidence.

GeneDx
Classification: Uncertain significance. Last evaluated: 2023-08-30. Review status: criteria provided, single submitter. Criteria: GeneDx Variant Classification Process June 2021. Collection method: clinical testing. Allele origin: germline. Affected: yes.
Comment: Not observed at significant frequency in large population cohorts (gnomAD); Missense variant in a gene in which most reported pathogenic variants are truncating/loss of function; This variant is associated with the following publications: (PMID: 31983221)